The following is an entry in ClinVar:

NC_000006.11:g.(?_51483879)_(51484338_?)del

Gene: PKHD1 (PKHD1 ciliary IPT domain containing fibrocystin/polyductin; minus strand). Cytogenetic location: 6p12.3.
Variant type: Deletion.
Identifiers: ClinVar variation 3245962 (VCV003245962.1).

ClinVar aggregate classification (germline): Pathogenic (1 of 4 stars; one submission).

Conditions:
Autosomal recessive polycystic kidney disease (ARPKD). Also called: AR polycystic kidney disease. Identifiers: Orphanet 731, Orphanet 8378, MedGen C0085548, MeSH D017044, MONDO:0009889.

Submission:

Labcorp Genetics (formerly Invitae), Labcorp
Classification: Pathogenic for Autosomal recessive polycystic kidney disease. Last evaluated: 2023-09-29. Review status: criteria provided, single submitter. Criteria: Invitae Variant Classification Sherloc (09022015). Collection method: clinical testing. Allele origin: unknown.
Comment: This variant is a gross deletion of the genomic region encompassing exon(s) 67 of the PKHD1 gene, which includes the termination codon. This deletion extends beyond the assayed region for this gene and therefore may encompass additional genes. While this deletion is not anticipated to lead to nonsense mediated decay, it is expected to alter mRNA translation or result in a truncated protein product. This variant has not been reported in the literature in individuals affected with PKHD1-related conditions. This variant disrupts a region of the PKHD1 protein in which other variant(s) (p.Arg3961*) have been determined to be pathogenic (Invitae). This suggests that this is a clinically significant region of the protein, and that variants that disrupt it are likely to be disease-causing. For these reasons, this variant has been classified as Pathogenic.